The following is an entry in ClinVar:

NM_144997.7(FLCN):c.138A>G (p.Glu46=)

Gene: FLCN (folliculin; minus strand). Cytogenetic location: 17p11.2.
Variant type: single nucleotide variant.
Coding change: c.138A>G on transcript NM_144997.7 (MANE Select); coding-DNA position 138, A replaced by G.
Protein change: p.Glu46=; no amino-acid change (glutamic acid 46 retained).
Molecular consequence: synonymous variant.
Genome position (GRCh38, 1-based): chr17:17,228,000, T>C on the plus strand (A>G on the coding strand, the complement: FLCN is on the minus strand). VCF-style: chr17-17228000-T-C. GRCh37 (hg19) VCF-style: chr17-17131314-T-C.
Other names: c.138A>G, p.Glu46= (NM_001353229.2, NM_001353230.2, NM_001353231.2 and 1 more transcripts).
Identifiers: ClinVar variation 819086 (VCV000819086.12), dbSNP rs1597617874, ClinGen allele CA498421552.

ClinVar aggregate classification (germline): Benign/Likely benign. Review status: criteria provided, multiple submitters, no conflicts (2 of 4 stars). 3 submissions from 3 submitters: Benign (1); Likely benign (2). Last evaluated 2024-10-22.

Conditions:
Birt-Hogg-Dube syndrome. Also called: Birt Hogg Dubé syndrome. Identifiers: Orphanet 122, MedGen C0346010, MONDO:0800444.
Hereditary cancer-predisposing syndrome. Also called: Hereditary Cancer Syndrome; Neoplastic Syndromes, Hereditary; Hereditary neoplastic syndrome; Tumor predisposition. Identifiers: Orphanet 140162, MedGen C0027672, MeSH D009386, MONDO:0015356.
Birt-Hogg-Dube syndrome 1 (BHD1). Also called: FIBROFOLLICULOMAS WITH TRICHODISCOMAS AND ACROCHORDONS. Identifiers: Orphanet 122, MedGen CN375946, MONDO:0800445, OMIM 135150.

Allele frequency attached by ClinVar (database versions not stated): gnomAD exomes below 0.00001.
gnomAD v4.1: 1 of 1,614,078 alleles (0.000062%); highest among the groups gnomAD compares: Non-Finnish European, 0.000085%; no homozygotes.

Submissions (3):

Myriad Genetics, Inc.
Classification: Benign for Birt-Hogg-Dube syndrome 1. Last evaluated: 2024-10-22. Review status: criteria provided, single submitter. Criteria: Myriad Autosomal Dominant, Autosomal Recessive and X-Linked Classification Criteria (2023). Collection method: clinical testing. Allele origin: unknown.
Comment: This variant is considered benign. This variant is a silent/synonymous amino acid change and it is not expected to impact splicing.

Labcorp Genetics (formerly Invitae), Labcorp
Classification: Likely benign for Birt-Hogg-Dube syndrome. Last evaluated: 2024-06-25. Review status: criteria provided, single submitter. Criteria: Invitae Variant Classification Sherloc (09022015). Collection method: clinical testing. Allele origin: germline.

Ambry Genetics
Classification: Likely benign for Hereditary cancer-predisposing syndrome. Last evaluated: 2018-05-01. Review status: criteria provided, single submitter. Criteria: Ambry Variant Classification Scheme 2023. Collection method: clinical testing. Allele origin: germline.